The following is an entry in ClinVar:

ClinVar aggregate classification (germline): Uncertain significance (1 of 4 stars; one submission).

Conditions:
Spastic paraplegia. Identifiers: MedGen C0037772, HP:0001258.

Submission:

Labcorp Genetics (formerly Invitae), Labcorp
Classification: Uncertain significance for Spastic paraplegia. Last evaluated: 2023-04-12. Review status: criteria provided, single submitter. Criteria: Invitae Variant Classification Sherloc (09022015). Collection method: clinical testing. Allele origin: germline.
Comment: This variant is not present in population databases (gnomAD no frequency). This sequence change replaces cysteine, which is neutral and slightly polar, with arginine, which is basic and polar, at codon 256 of the GJC2 protein (p.Cys256Arg). In summary, the available evidence is currently insufficient to determine the role of this variant in disease. Therefore, it has been classified as a Variant of Uncertain Significance. Advanced modeling of protein sequence and biophysical properties (such as structural, functional, and spatial information, amino acid conservation, physicochemical variation, residue mobility, and thermodynamic stability) has been performed at Invitae for this missense variant, however the output from this modeling did not meet the statistical confidence thresholds required to predict the impact of this variant on GJC2 protein function. This variant has not been reported in the literature in individuals affected with GJC2-related conditions.

NM_020435.4(GJC2):c.766T>C (p.Cys256Arg)

Gene: GJC2 (gap junction protein gamma 2; plus strand). Cytogenetic location: 1q42.13.
Variant type: single nucleotide variant.
Coding change: c.766T>C on transcript NM_020435.4 (MANE Select); coding-DNA position 766, T replaced by C.
Protein change: p.Cys256Arg; replaces cysteine 256 with arginine.
Molecular consequence: missense variant.
Genome position (GRCh38, 1-based): chr1:228,158,524, T>C. VCF-style: chr1-228158524-T-C. GRCh37 (hg19) VCF-style: chr1-228346225-T-C.
Other names: short protein forms C256R.
Identifiers: ClinVar variation 2853823 (VCV002853823.3), dbSNP rs2527877097, ClinGen allele CA345099378.